The following is an entry in ClinVar:

ClinVar aggregate classification (germline): Uncertain significance (1 of 4 stars; one submission).

Submission:

Labcorp Genetics (formerly Invitae), Labcorp
Classification: Uncertain significance. Last evaluated: 2022-08-01. Review status: criteria provided, single submitter. Criteria: Invitae Variant Classification Sherloc (09022015). Collection method: clinical testing. Allele origin: germline.
Comment: This sequence change replaces glutamic acid, which is acidic and polar, with aspartic acid, which is acidic and polar, at codon 134 of the PRDM5 protein (p.Glu134Asp). This variant is not present in population databases (gnomAD no frequency). In summary, the available evidence is currently insufficient to determine the role of this variant in disease. Therefore, it has been classified as a Variant of Uncertain Significance. Algorithms developed to predict the effect of missense changes on protein structure and function (SIFT, PolyPhen-2, Align-GVGD) all suggest that this variant is likely to be tolerated. This variant has not been reported in the literature in individuals affected with PRDM5-related conditions.

NM_018699.4(PRDM5):c.402A>C (p.Glu134Asp)

Gene: PRDM5 (PR/SET domain 5; minus strand). Cytogenetic location: 4q27.
Variant type: single nucleotide variant.
Coding change: c.402A>C on transcript NM_018699.4 (MANE Select); coding-DNA position 402, A replaced by C.
Protein change: p.Glu134Asp; replaces glutamic acid 134 with aspartic acid.
Molecular consequence: missense variant.
Genome position (GRCh38, 1-based): chr4:120,821,244, T>G on the plus strand (A>C on the coding strand, the complement: PRDM5 is on the minus strand). VCF-style: chr4-120821244-T-G. GRCh37 (hg19) VCF-style: chr4-121742399-T-G.
Other names: c.402A>C, p.Glu134Asp (NM_001300823.2, NM_001300824.2, NM_001379104.1 and 1 more transcripts); short protein forms E134D.
Identifiers: ClinVar variation 1994604 (VCV001994604.4), dbSNP rs2478060973, ClinGen allele CA358208750.
Genomic context (GRCh38, chr4:120,821,244, plus strand): 5'-TGTTGATTGTCTTCTAGAATTTTCAACTTCCCCTTCTTTGATGACTGTCATAATTTGCTG[T>G]TCTTCCTCCTCAGCCTCCATGTCACTATCCAGGTAGCCAATCAGAAGCTCCGTGTCTGTT-3'
Protein context (NP_061169.2, residues 124-144): LDSDMEAEEE[Glu134Asp]QQIMTVIKEG